The following is an entry in ClinVar:

ClinVar aggregate classification (germline): Uncertain significance (1 of 4 stars; one submission).

Submission:

GeneDx
Classification: Uncertain significance. Last evaluated: 2024-11-06. Review status: criteria provided, single submitter. Criteria: GeneDx Variant Classification Process June 2021. Collection method: clinical testing. Allele origin: germline. Affected: yes.
Comment: Not observed at significant frequency in large population cohorts (gnomAD); In silico analysis indicates that this missense variant does not alter protein structure/function; Has not been previously published as pathogenic or benign to our knowledge

NM_025219.3(DNAJC5):c.430G>A (p.Glu144Lys)

Gene: DNAJC5 (DnaJ heat shock protein family (Hsp40) member C5; plus strand). Cytogenetic location: 20q13.33.
Variant type: single nucleotide variant.
Coding change: c.430G>A on transcript NM_025219.3 (MANE Select); coding-DNA position 430, G replaced by A.
Protein change: p.Glu144Lys; replaces glutamic acid 144 with lysine.
Molecular consequence: missense variant.
Genome position (GRCh38, 1-based): chr20:63,930,959, G>A. VCF-style: chr20-63930959-G-A. GRCh37 (hg19) VCF-style: chr20-62562312-G-A.
Other names: short protein forms E144K.
Identifiers: ClinVar variation 3899033 (VCV003899033.1).
Genomic context (GRCh38, chr20:63,930,959, plus strand): 5'-TGTCTGTGCTGCTGCTTCAACTGCTGCTGCGGGAAGTGTAAGCCCAAGGCGCCTGAAGGC[G>A]AGGAGACGGAGTTCTACGTGTCCCCCGAGGATCTGGAGGCACAGCTGCAGTCTGACGAGA-3'
Protein context (NP_079495.1, residues 134-154): GKCKPKAPEG[Glu144Lys]ETEFYVSPED